The following is an entry in ClinVar:

ClinVar aggregate classification (germline): Likely pathogenic. Review status: criteria provided, multiple submitters, no conflicts (2 of 4 stars). 4 submissions from 4 submitters: Likely pathogenic (4). Last evaluated 2023-04-11.

Conditions:
SLC2A1-related disorder. Also called: SLC2A1-related condition; SLC2A1-related disorders.
Encephalopathy due to GLUT1 deficiency. Also called: Classic Glucose Transporter Type 1 Deficiency Syndrome; GLUCOSE TRANSPORT DEFECT, BLOOD-BRAIN BARRIER; De Vivo disease; GLUT1 deficiency syndrome 1; Glucose transporter protein syndrome; GLUT1 deficiency syndrome 1, infantile onset, severe. Identifiers: Orphanet 71277, MedGen C4551966, MONDO:0011724, OMIM 606777.
Childhood onset GLUT1 deficiency syndrome 2. Also called: Exertion-induced paroxysmal dyskinesia; PAROXYSMAL EXERCISE-INDUCED DYSKINESIA WITH OR WITHOUT EPILEPSY AND/OR HEMOLYTIC ANEMIA; PAROXYSMAL EXERTION-INDUCED DYSTONIA WITH OR WITHOUT EPILEPSY AND/OR HEMOLYTIC ANEMIA; PED WITH OR WITHOUT EPILEPSY AND/OR HEMOLYTIC ANEMIA; Paroxysmal exercise-induced dystonia; PxMD-SLC2A1. Identifiers: Orphanet 98811, MedGen C1842534, MONDO:0012805, OMIM 612126.

Submissions (4):

Genome-Nilou Lab
Classification: Likely pathogenic for Encephalopathy due to GLUT1 deficiency. Last evaluated: 2023-04-11. Review status: criteria provided, single submitter. Criteria: ACMG Guidelines, 2015. Collection method: clinical testing. Allele origin: germline. Affected: no.

Blueprint Genetics
Classification: Likely pathogenic for SLC2A1-related disorders. Last evaluated: 2022-05-13. Review status: criteria provided, single submitter. Criteria: ACMG Guidelines, 2015. Collection method: clinical testing. Allele origin: germline. Affected: yes. Observed: 1 variant allele.

Broad Center for Mendelian Genomics, Broad Institute of MIT and Harvard
Classification: Likely pathogenic for Childhood onset GLUT1 deficiency syndrome 2. Last evaluated: 2022-05-04. Review status: criteria provided, single submitter. Criteria: ACMG Guidelines, 2015. Collection method: curation. Allele origin: germline. Inheritance: Autosomal dominant inheritance.
Comment: This variant is assumed de novo in 2 individuals, but maternity and paternity have not been confirmed (PMID: 10227690, 33126486). The variant has been reported in 2 individuals of unknown ethnicity with childhood onset GLUT1 deficiency syndrome 2 (PMID: 10227690, 25616474), but was absent from large population studies. In vitro functional studies provide some evidence that the p.Thr310Ile variant may impact protein function (PMID: 14673082, 10227690, 12032147). However, these types of assays may not accurately represent biological function. Computational prediction tools and conservation analyses suggest that this variant may impact the protein, though this information is not predictive enough to determine pathogenicity. In summary, although additional studies are required to fully establish its clinical significance, this variant is likely pathogenic. ACMG/AMP Criteria applied: PS3_moderate, PM2, PM6, PP3, PS4_supporting (Richards 2015).

Cytogénomique, Hospices Civils de Lyon
Classification: Likely pathogenic for Childhood onset GLUT1 deficiency syndrome 2. Review status: criteria provided, single submitter. Criteria: ACMG Guidelines, 2015. Collection method: clinical testing. Allele origin: de novo. Inheritance: Sporadic. Affected: yes.

Literature cited by the submitters: PubMed 10227690 (cited by Broad Center for Mendelian Genomics, Broad Institute of MIT and Harvard).

NM_006516.4(SLC2A1):c.929C>T (p.Thr310Ile)

Gene: SLC2A1 (solute carrier family 2 member 1; minus strand). Cytogenetic location: 1p34.2.
Variant type: single nucleotide variant.
Coding change: c.929C>T on transcript NM_006516.4 (MANE Select); coding-DNA position 929, C replaced by T.
Protein change: p.Thr310Ile; replaces threonine 310 with isoleucine.
Molecular consequence: missense variant.
Genome position (GRCh38, 1-based): chr1:42,929,253, G>A on the plus strand (C>T on the coding strand, the complement: SLC2A1 is on the minus strand). VCF-style: chr1-42929253-G-A. GRCh37 (hg19) VCF-style: chr1-43394924-G-A.
Other names: NM_006516.3:c.929C>T; short protein forms T310I.
Identifiers: ClinVar variation 870347 (VCV000870347.5), dbSNP rs80359824, ClinGen allele CA21250649.